The following is an entry in ClinVar:

ClinVar aggregate classification (germline): Pathogenic (1 of 4 stars; one submission).

Conditions:
Quebec platelet disorder (QPD). Also called: BLEEDING DISORDER, PLATELET-TYPE, 5; FACTOR V QUEBEC. Identifiers: Orphanet 220436, MedGen C1866423, MONDO:0011136, OMIM 601709.

Submission:

Women's Health and Genetics/Laboratory Corporation of America, LabCorp
Classification: Pathogenic for Quebec platelet disorder. Last evaluated: 2022-09-02. Review status: criteria provided, single submitter. Criteria: LabCorp Variant Classification Summary - May 2015. Collection method: clinical testing. Allele origin: germline.
Comment: Variant summary: The variant identified by MLPA or other technology involves the duplication of exons 1-11 (i.e. the full coding sequence) of the PLAU gene. A presumed nomenclature of c.(?_-150)_(*937_?)dup has been designated for the purposes of this classification. It has been assumed that this is a tandem duplication in direct orientation (Richardson_GIM_2018, Newman_AJHG_2015). Since exact breakpoints of this duplication are not known, it might extend beyond the assayed region of the PLAU gene, including other flanking genes. The variant was absent in 21694 control chromosomes (gnomAD database, structural variants dataset). A large, 78 kbp tandem duplication variant encompassing the PLAU gene (starting 11.87 kb upstream of the gene, including all known regulatory units, and ending 59.69 kb downstream of the gene, also involving an overlapping gene, C10orf55, a gene of unknown function) has been described in the literature in multiple individuals affected with Quebec Platelet Disorder (QPD) (e.g. Diamandis_2009, Paterson_2010, Blavignac_2011), where the variant was reported to segregate with the phenotype in a dominant manner. These data indicate that the variant is very likely to be associated with disease. Publications reported experimental evidence demonstrating a >100-fold increase in PLAU expression in megakaryocytes in QPD patients (but not in other cell types), and transgenic mice that selectively overexpress PLAU in megakaryocytes have a QPD-like bleeding disorder (Kufrin_2003, Diamandis_2009, Hayward_2017). In addition, a recent study reported that the extra copy of the PLAU gene becomes juxtaposed with a transcriptional enhancer of the VCL gene, which is a conserved megakaryocyte enhancer found within the same topologically associating domain (TAD), thus resulting in a high level of transcription from the PLAU gene (Liang_2020). No clinical diagnostic laboratories have submitted clinical-significance assessments for this variant to ClinVar after 2014. Based on the evidence outlined above, the variant was classified as pathogenic.

Literature cited by the submitters: PubMed 22102275; PubMed 18988861; PubMed 33270854; PubMed 28301587; PubMed 12689937; PubMed 32663239; PubMed 20007542.

NC_000010.10:g.(?_75670858)_(75677260_?)dup

Genes: C10orf55 (chromosome 10 putative open reading frame 55; minus strand), PLAU (plasminogen activator, urokinase; plus strand). Cytogenetic location: 10q22.2.
Variant type: Duplication.
Identifiers: ClinVar variation 1722380 (VCV001722380.1).